The following is an entry in ClinVar:

NM_007227.3(GPR45):c.448G>T (p.Val150Leu)

Gene: GPR45 (G protein-coupled receptor 45; plus strand). Cytogenetic location: 2q12.1.
Variant type: single nucleotide variant.
Coding change: c.448G>T on transcript NM_007227.3 (MANE Select); coding-DNA position 448, G replaced by T.
Protein change: p.Val150Leu; replaces valine 150 with leucine.
Molecular consequence: missense variant.
Genome position (GRCh38, 1-based): chr2:105,242,306, G>T. VCF-style: chr2-105242306-G-T. GRCh37 (hg19) VCF-style: chr2-105858763-G-T.
Other names: short protein forms V150L.
Identifiers: ClinVar variation 2077941 (VCV002077941.5), dbSNP rs145118947, ClinGen allele CA53398121.
Genomic context (GRCh38, chr2:105,242,306, plus strand): 5'-GTGGACCGCTTCCTCATCATCGTCCAGCGCCAGGACAAGCTGAACCCGCGCAGGGCCAAG[G>T]TGATCATCGCGGTCTCCTGGGTGCTGTCCTTCTGCATCGCGGGGCCCTCGCTCACGGGCT-3'
Protein context (NP_009158.3, residues 140-160): QDKLNPRRAK[Val150Leu]IIAVSWVLSF

ClinVar aggregate classification (germline): Uncertain significance. Review status: criteria provided, multiple submitters, no conflicts (2 of 4 stars). 2 submissions from 2 submitters: Uncertain significance (2). Last evaluated 2025-08-31.

Allele frequency attached by ClinVar (database versions not stated): TOPMed 0.00001; ESP Exome Variant Server 0.00015.

Submissions (2):

Labcorp Genetics (formerly Invitae), Labcorp
Classification: Uncertain significance. Last evaluated: 2025-08-31. Review status: criteria provided, single submitter. Criteria: Invitae Variant Classification Sherloc (09022015). Collection method: clinical testing. Allele origin: germline.
Comment: This sequence change replaces valine, which is neutral and non-polar, with leucine, which is neutral and non-polar, at codon 150 of the GPR45 protein (p.Val150Leu). This variant is not present in population databases (gnomAD no frequency). This variant has not been reported in the literature in individuals affected with GPR45-related conditions. ClinVar contains an entry for this variant (Variation ID: 2077941). An algorithm developed to predict the effect of missense changes on protein structure and function (PolyPhen-2) suggests that this variant is likely to be tolerated. In summary, the available evidence is currently insufficient to determine the role of this variant in disease. Therefore, it has been classified as a Variant of Uncertain Significance.

Ambry Genetics
Classification: Uncertain significance. Last evaluated: 2025-04-11. Review status: criteria provided, single submitter. Criteria: Ambry Variant Classification Scheme 2023. Collection method: clinical testing. Allele origin: germline.